The following is an entry in ClinVar:

NM_198880.3(QRICH1):c.1511T>C (p.Ile504Thr)

Gene: QRICH1 (glutamine rich 1; minus strand). Cytogenetic location: 3p21.31.
Variant type: single nucleotide variant.
Coding change: c.1511T>C on transcript NM_198880.3 (MANE Select); coding-DNA position 1511, T replaced by C.
Protein change: p.Ile504Thr; replaces isoleucine 504 with threonine.
Molecular consequence: missense variant.
Genome position (GRCh38, 1-based): chr3:49,047,074, A>G on the plus strand (T>C on the coding strand, the complement: QRICH1 is on the minus strand). VCF-style: chr3-49047074-A-G. GRCh37 (hg19) VCF-style: chr3-49084507-A-G.
Other names: c.1511T>C, p.Ile504Thr (NM_001320580.2, NM_001320581.2, NM_001320582.2 and 4 more transcripts); short protein forms I504T.
Identifiers: ClinVar variation 3257214 (VCV003257214.17).
Genomic context (GRCh38, chr3:49,047,074, plus strand): 5'-TACTTTAGTACCATTGCATTTTAGACACAGCCCACTCTTCTTCCAAGACACTCACTCCCA[A>G]TGGGTGCCAATCTGTTCTGAGCATCCTTCTCTAGTTCAGCATTCTTGGTCTGGGCCCAGT-3'
Protein context (NP_942581.1, residues 494-514): EKDAQNRLAP[Ile504Thr]GRRQLLRFQE

ClinVar aggregate classification (germline): Uncertain significance (1 of 4 stars; one submission).

Submission:

CeGaT Center for Human Genetics Tuebingen
Classification: Uncertain significance. Last evaluated: 2024-07-01. Review status: criteria provided, single submitter. Criteria: CeGaT Center For Human Genetics Tuebingen Variant Classification Criteria Version 2. Collection method: clinical testing. Allele origin: germline. Affected: yes. Observed: 1 variant allele.
Comment: QRICH1: PM2:Supporting